The following is an entry in ClinVar:

NM_004281.4(BAG3):c.551C>T (p.Ser184Phe)

Gene: BAG3 (BAG cochaperone 3; plus strand). Cytogenetic location: 10q26.11.
Variant type: single nucleotide variant.
Coding change: c.551C>T on transcript NM_004281.4 (MANE Select); coding-DNA position 551, C replaced by T.
Protein change: p.Ser184Phe; replaces serine 184 with phenylalanine.
Molecular consequence: missense variant.
Genome position (GRCh38, 1-based): chr10:119,672,298, C>T. VCF-style: chr10-119672298-C-T. GRCh37 (hg19) VCF-style: chr10-121431810-C-T.
Other names: c.551C>T (NM_004281.3); short protein forms S184F.
Identifiers: ClinVar variation 1443966 (VCV001443966.7), dbSNP rs1450366653, ClinGen allele CA378295324.

ClinVar aggregate classification (germline): Uncertain significance. Review status: criteria provided, multiple submitters, no conflicts (2 of 4 stars). 2 submissions from 2 submitters: Uncertain significance (2). Last evaluated 2025-07-09.

Conditions:
Cardiovascular phenotype. Identifiers: MedGen CN230736.
Myofibrillar myopathy 6. Identifiers: Orphanet 199340, MedGen C2751831, MONDO:0013061, OMIM 612954.
Dilated cardiomyopathy 1HH (CMD1HH). Identifiers: Orphanet 154, MedGen C3151293, MONDO:0013479, OMIM 613881.

Allele frequency attached by ClinVar (database versions not stated): gnomAD exomes below 0.00001.
gnomAD v4.1: 5 of 1,613,982 alleles (0.00031%); highest among the groups gnomAD compares: Admixed American, 0.0017%; no homozygotes.

Submissions (2):

Labcorp Genetics (formerly Invitae), Labcorp
Classification: Uncertain significance for Dilated cardiomyopathy 1HH; Myofibrillar myopathy 6. Last evaluated: 2025-07-09. Review status: criteria provided, single submitter. Criteria: Invitae Variant Classification Sherloc (09022015). Collection method: clinical testing. Allele origin: germline.
Comment: This sequence change replaces serine, which is neutral and polar, with phenylalanine, which is neutral and non-polar, at codon 184 of the BAG3 protein (p.Ser184Phe). This variant is present in population databases (no rsID available, gnomAD 0.003%). This variant has not been reported in the literature in individuals affected with BAG3-related conditions. ClinVar contains an entry for this variant (Variation ID: 1443966). Invitae Evidence Modeling of protein sequence and biophysical properties (such as structural, functional, and spatial information, amino acid conservation, physicochemical variation, residue mobility, and thermodynamic stability) indicates that this missense variant is not expected to disrupt BAG3 protein function with a negative predictive value of 80%. In summary, the available evidence is currently insufficient to determine the role of this variant in disease. Therefore, it has been classified as a Variant of Uncertain Significance.

Ambry Genetics
Classification: Uncertain significance for Cardiovascular phenotype. Last evaluated: 2025-01-08. Review status: criteria provided, single submitter. Criteria: Ambry Variant Classification Scheme 2023. Collection method: clinical testing. Allele origin: germline.